The following is an entry in ClinVar:

ClinVar aggregate classification (germline): Uncertain significance (1 of 4 stars; one submission).

Conditions:
Osteogenesis imperfecta, perinatal lethal (OI2). Also called: Osteogenesis imperfecta type 2; OSTEOGENESIS IMPERFECTA, TYPE II; OI, TYPE II; OSTEOGENESIS IMPERFECTA CONGENITA; VROLIK TYPE OF OSTEOGENESIS IMPERFECTA; Osteogenesis imperfecta, dominant perinatal lethal. Identifiers: Orphanet 216804, MedGen C0268358, MONDO:0008147, OMIM 166210.

Submission:

3billion
Classification: Uncertain significance for Osteogenesis imperfecta, perinatal lethal. Last evaluated: 2025-06-12. Review status: criteria provided, single submitter. Criteria: ACMG Guidelines, 2015. Collection method: clinical testing. Allele origin: germline. Affected: yes.
Comment: The variant is not observed in the gnomAD v4.1.0 dataset. Predicted Consequence/Location: Missense variant In silico tool predictions suggest damaging effect of the variant on gene or gene product [REVEL: 0.98 (>=0.6, sensitivity 0.68 and specificity 0.92); 3Cnet: 0.99 (> 0.75, sensitivity 0.96 and precision 0.92)]. The same nucleotide change resulting in the same amino acid change has been previously reported to be associated with COL1A1-related disorder (PMID: 17078022). Different missense changes at the same codon (p.Gly878Ala, p.Gly878Asp) have been reported to be associated with COL1A1-related disorder (ClinVar ID: VCV001685267 /PMID: 23918677). However the evidence of pathogenicity is insufficient at this time. Therefore, this variant is classified as VUS according to the recommendation of ACMG/AMP guideline.

Literature cited by the submitters: PubMed 17078022; PubMed 23918677.

NM_000088.4(COL1A1):c.2632G>A (p.Gly878Ser)

Gene: COL1A1 (collagen type I alpha 1 chain; minus strand). Cytogenetic location: 17q21.33.
Variant type: single nucleotide variant.
Coding change: c.2632G>A on transcript NM_000088.4 (MANE Select); coding-DNA position 2632, G replaced by A.
Protein change: p.Gly878Ser; replaces glycine 878 with serine.
Molecular consequence: missense variant.
Genome position (GRCh38, 1-based): chr17:50,189,714, C>T on the plus strand (G>A on the coding strand, the complement: COL1A1 is on the minus strand). VCF-style: chr17-50189714-C-T. GRCh37 (hg19) VCF-style: chr17-48267075-C-T.
Other names: short protein forms G878S.
Identifiers: ClinVar variation 4855694 (VCV004855694.1).